The following is an entry in ClinVar:

ClinVar aggregate classification (germline): Uncertain significance (1 of 4 stars; one submission).

Submission:

Labcorp Genetics (formerly Invitae), Labcorp
Classification: Uncertain significance. Last evaluated: 2025-06-12. Review status: criteria provided, single submitter. Criteria: Invitae Variant Classification Sherloc (09022015). Collection method: clinical testing. Allele origin: germline.
Comment: This sequence change replaces arginine, which is basic and polar, with lysine, which is basic and polar, at codon 5 of the CRB2 protein (p.Arg5Lys). This variant is not present in population databases (gnomAD no frequency). This variant has not been reported in the literature in individuals affected with CRB2-related conditions. ClinVar contains an entry for this variant (Variation ID: 1387658). Invitae Evidence Modeling of protein sequence and biophysical properties (such as structural, functional, and spatial information, amino acid conservation, physicochemical variation, residue mobility, and thermodynamic stability) indicates that this missense variant is not expected to disrupt CRB2 protein function with a negative predictive value of 95%. In summary, the available evidence is currently insufficient to determine the role of this variant in disease. Therefore, it has been classified as a Variant of Uncertain Significance.

NM_173689.7(CRB2):c.14G>A (p.Arg5Lys)

Gene: CRB2 (crumbs cell polarity complex component 2; plus strand). Cytogenetic location: 9q33.3.
Variant type: single nucleotide variant.
Coding change: c.14G>A on transcript NM_173689.7 (MANE Select); coding-DNA position 14, G replaced by A.
Protein change: p.Arg5Lys; replaces arginine 5 with lysine.
Molecular consequence: missense variant.
Genome position (GRCh38, 1-based): chr9:123,356,274, G>A. VCF-style: chr9-123356274-G-A. GRCh37 (hg19) VCF-style: chr9-126118553-G-A.
Other names: short protein forms R5K.
Identifiers: ClinVar variation 1387658 (VCV001387658.8), dbSNP rs2132723482, ClinGen allele CA374850652.